The following is an entry in ClinVar:

NM_001368894.2(PAX6):c.1090C>T (p.Gln364Ter)

Gene: PAX6 (paired box 6; minus strand). Cytogenetic location: 11p13.
Variant type: single nucleotide variant.
Coding change: c.1090C>T on transcript NM_001368894.2 (MANE Select); coding-DNA position 1090, C replaced by T.
Protein change: p.Gln364Ter; replaces glutamine 364 with a stop codon.
Molecular consequence: nonsense. On other transcripts: non-coding transcript variant (1), intron variant (9).
Genome position (GRCh38, 1-based): chr11:31,790,845, G>A on the plus strand (C>T on the coding strand, the complement: PAX6 is on the minus strand). VCF-style: chr11-31790845-G-A. GRCh37 (hg19) VCF-style: chr11-31812393-G-A.
Other names: c.1048C>T, p.Gln350Ter (NM_000280.6, NM_001127612.3, NM_001258464.2 and 6 more transcripts); c.1090C>T, p.Gln364Ter (NM_001258462.3, NM_001258463.2, NM_001310158.2 and 3 more transcripts); c.640C>T, p.Gln214Ter (NM_001310160.2, NM_001310161.3, NM_001368899.2 and 10 more transcripts); c.1291C>T, p.Gln431Ter (NM_001368910.2); c.1165C>T, p.Gln389Ter (NM_001368918.2, NM_001368919.2); c.1123C>T, p.Gln375Ter (NM_001368920.2); c.889C>T, p.Gln297Ter (NM_001368922.2, NM_001368923.2, NM_001368924.2 and 3 more transcripts); c.847C>T, p.Gln283Ter (NM_001368928.2); and 6 more; short protein forms Q149*, Q214*, Q283*, Q297*, Q350*, Q364*, Q375*, Q389*.
Identifiers: ClinVar variation 1254586 (VCV001254586.8), dbSNP rs1237278944, ClinGen allele CA379967538.
Genomic context (GRCh38, chr11:31,790,845, plus strand): 5'-CATAACTCCGCCCATTCACCGAAGGGCTGGTGGGCAGCATGCAGGAGTATGAGGAGGTCT[G>A]GCTGGGGACTGGGGGCTGTGAGGAGAGAGGCAAACCTGTGGTTACTGAGGAACACATCAC-3'

ClinVar aggregate classification (germline): Pathogenic. Review status: criteria provided, multiple submitters, no conflicts (2 of 4 stars). 3 submissions from 3 submitters: Pathogenic (3). Last evaluated 2024-08-13.

Conditions:
Aniridia 1 (AN1). Identifiers: Orphanet 250923, MedGen C0344542, MONDO:0024507, OMIM 106210.
Irido-corneo-trabecular dysgenesis (ASGD5). Also called: ANTERIOR SEGMENT DYSGENESIS 5. Identifiers: Orphanet 708, MedGen C0344559, MONDO:0011414, OMIM 604229, HP:0000659.

Submissions (3):

Institute of Human Genetics, University of Leipzig Medical Center
Classification: Pathogenic for Aniridia 1. Last evaluated: 2024-08-13. Review status: criteria provided, single submitter. Criteria: ACMG Guidelines, 2015. Collection method: clinical testing. Allele origin: unknown. Inheritance: Autosomal dominant inheritance. Affected: yes.
Comment: Criteria applied: PVS1,PS4_MOD,PM2_SUP

Labcorp Genetics (formerly Invitae), Labcorp
Classification: Pathogenic for Aniridia 1; Irido-corneo-trabecular dysgenesis. Last evaluated: 2023-10-29. Review status: criteria provided, single submitter. Criteria: Invitae Variant Classification Sherloc (09022015). Collection method: clinical testing. Allele origin: germline.
Comment: This sequence change creates a premature translational stop signal (p.Gln350*) in the PAX6 gene. It is expected to result in an absent or disrupted protein product. Loss-of-function variants in PAX6 are known to be pathogenic (PMID: 12634864). This variant is not present in population databases (gnomAD no frequency). This premature translational stop signal has been observed in individual(s) with aniridia (PMID: 21423868). ClinVar contains an entry for this variant (Variation ID: 1254586). For these reasons, this variant has been classified as Pathogenic.

GeneDx
Classification: Pathogenic. Last evaluated: 2021-08-05. Review status: criteria provided, single submitter. Criteria: GeneDx Variant Classification Process June 2021. Collection method: clinical testing. Allele origin: germline. Affected: yes.
Comment: Nonsense variant predicted to result in protein truncation or nonsense mediated decay in a gene for which loss-of-function is a known mechanism of disease; Not observed at significant frequency in large population cohorts (Lek et al., 2016); This variant is associated with the following publications: (PMID: 32857266, 21423868, 25525159)

Literature cited by the submitters: PubMed 12634864 (cited by Labcorp Genetics (formerly Invitae), Labcorp); PubMed 21423868 (cited by Labcorp Genetics (formerly Invitae), Labcorp).